The following is an entry in ClinVar:

NM_007186.6(CEP250):c.918A>G (p.Ile306Met)

Gene: CEP250 (centrosomal protein 250; plus strand). Cytogenetic location: 20q11.22.
Variant type: single nucleotide variant.
Coding change: c.918A>G on transcript NM_007186.6 (MANE Select); coding-DNA position 918, A replaced by G.
Protein change: p.Ile306Met; replaces isoleucine 306 with methionine.
Molecular consequence: missense variant. On other transcripts: 5 prime UTR variant (1).
Genome position (GRCh38, 1-based): chr20:35,469,956, A>G. VCF-style: chr20-35469956-A-G. GRCh37 (hg19) VCF-style: chr20-34057781-A-G.
Other names: c.-982A>G (NM_001318219.1); short protein forms I306M.
Identifiers: ClinVar variation 1940707 (VCV001940707.2), dbSNP rs918758772, ClinGen allele CA314149958.

ClinVar aggregate classification (germline): Uncertain significance (1 of 4 stars; one submission).

Allele frequency attached by ClinVar (database versions not stated): gnomAD 0.00001; gnomAD exomes 0.00001; TOPMed 0.00001.
gnomAD v4.1: 27 of 1,613,562 alleles (0.0017%); highest among the groups gnomAD compares: African/African-American, 0.004%; no homozygotes.

Submission:

Labcorp Genetics (formerly Invitae), Labcorp
Classification: Uncertain significance. Last evaluated: 2022-03-27. Review status: criteria provided, single submitter. Criteria: Invitae Variant Classification Sherloc (09022015). Collection method: clinical testing. Allele origin: germline.
Comment: This sequence change replaces isoleucine, which is neutral and non-polar, with methionine, which is neutral and non-polar, at codon 306 of the CEP250 protein (p.Ile306Met). This variant is present in population databases (no rsID available, gnomAD 0.002%). This variant has not been reported in the literature in individuals affected with CEP250-related conditions. Algorithms developed to predict the effect of missense changes on protein structure and function are either unavailable or do not agree on the potential impact of this missense change (SIFT: "Not Available"; PolyPhen-2: "Benign"; Align-GVGD: "Not Available"). In summary, the available evidence is currently insufficient to determine the role of this variant in disease. Therefore, it has been classified as a Variant of Uncertain Significance.